The following is an entry in ClinVar:

NM_175875.5(SIX5):c.76G>C (p.Glu26Gln)

Genes: SIX5 (SIX homeobox 5; minus strand), DM1-AS (DM1 locus antisense RNA; plus strand), LOC107075317 (origin of replication in DMPK trinucleotide repeat region; plus strand), LOC129929037 (ATAC-STARR-seq lymphoblastoid silent region 10794; plus strand). Cytogenetic location: 19q13.32.
Variant type: single nucleotide variant.
Coding change: c.76G>C on transcript NM_175875.5 (MANE Select); coding-DNA position 76, G replaced by C.
Protein change: p.Glu26Gln; replaces glutamic acid 26 with glutamine.
Molecular consequence: missense variant.
Genome position (GRCh38, 1-based): chr19:45,768,769, C>G on the plus strand (G>C on the coding strand, the complement: SIX5 is on the minus strand). VCF-style: chr19-45768769-C-G. GRCh37 (hg19) VCF-style: chr19-46272027-C-G.
Other names: short protein forms E26Q.
Identifiers: ClinVar variation 3612933 (VCV003612933.2).
Genomic context (GRCh38, chr19:45,768,769, plus strand): 5'-CCTCACCCTCGGCCGCCTGCAAAGTCTGCAAGAGCTGGCGCGCTTCCTCCTCCTCCTCTT[C>G]GGTCGCCGCCGCCGCCGCCACCGCCTCCCCCCCAGCCGCCGGCCCCGCGCTCGGCTCCGC-3'
Protein context (NP_787071.3, residues 16-36): GEAVAAAAAT[Glu26Gln]EEEEEARQLL

ClinVar aggregate classification (germline): Uncertain significance (1 of 4 stars; one submission).

Submission:

Labcorp Genetics (formerly Invitae), Labcorp
Classification: Uncertain significance. Last evaluated: 2025-06-12. Review status: criteria provided, single submitter. Criteria: Invitae Variant Classification Sherloc (09022015). Collection method: clinical testing. Allele origin: germline.
Comment: This sequence change replaces glutamic acid, which is acidic and polar, with glutamine, which is neutral and polar, at codon 26 of the SIX5 protein (p.Glu26Gln). This variant is not present in population databases (gnomAD no frequency). This variant has not been reported in the literature in individuals affected with SIX5-related conditions. ClinVar contains an entry for this variant (Variation ID: 3612933). Experimental studies and prediction algorithms are not available or were not evaluated, and the functional significance of this variant is currently unknown. In summary, the available evidence is currently insufficient to determine the role of this variant in disease. Therefore, it has been classified as a Variant of Uncertain Significance.